The following is an entry in ClinVar:

ClinVar aggregate classification (germline): Uncertain significance (1 of 4 stars; one submission).

Allele frequency attached by ClinVar (database versions not stated): gnomAD exomes below 0.00001.
gnomAD v4.1: 1 of 1,613,854 alleles (0.000062%); highest among the groups gnomAD compares: Non-Finnish European, 0.000085%; no homozygotes.

Submission:

GeneDx
Classification: Uncertain significance. Last evaluated: 2022-03-29. Review status: criteria provided, single submitter. Criteria: GeneDx Variant Classification Process June 2021. Collection method: clinical testing. Allele origin: germline. Affected: yes.
Comment: Not observed at significant frequency in large population cohorts (gnomAD); Nonsense variant predicted to result in protein truncation as the last 47 amino acids are lost, although loss-of-function variants have not been reported downstream of this position in the protein; Has not been previously published as pathogenic or benign to our knowledge

NM_001382347.1(MYO5A):c.5500C>T (p.Arg1834Ter)

Gene: MYO5A (myosin VA; minus strand). Cytogenetic location: 15q21.2.
Variant type: single nucleotide variant.
Coding change: c.5500C>T on transcript NM_001382347.1 (MANE Select); coding-DNA position 5500, C replaced by T.
Protein change: p.Arg1834Ter; replaces arginine 1834 with a stop codon.
Molecular consequence: nonsense.
Genome position (GRCh38, 1-based): chr15:52,313,839, G>A on the plus strand (C>T on the coding strand, the complement: MYO5A is on the minus strand). VCF-style: chr15-52313839-G-A. GRCh37 (hg19) VCF-style: chr15-52606036-G-A.
Other names: c.5425C>T, p.Arg1809Ter (NM_000259.3); c.5344C>T, p.Arg1782Ter (NM_001142495.2); c.5572C>T, p.Arg1858Ter (NM_001382348.1); c.5497C>T, p.Arg1833Ter (NM_001382349.1); c.5416C>T, p.Arg1806Ter (NM_001411135.1); short protein forms R1782*, R1806*, R1809*, R1833*, R1834*, R1858*.
Identifiers: ClinVar variation 1723023 (VCV001723023.2), dbSNP rs2543391951, ClinGen allele CA392505800.